The following is an entry in ClinVar:

ClinVar aggregate classification (germline): Pathogenic (1 of 4 stars; one submission).

Submission:

Labcorp Genetics (formerly Invitae), Labcorp
Classification: Pathogenic. Last evaluated: 2019-09-25. Review status: criteria provided, single submitter. Criteria: Invitae Variant Classification Sherloc (09022015). Collection method: clinical testing. Allele origin: germline.
Comment: This variant has not been reported in the literature in individuals with SETD5-related conditions. For these reasons, this variant has been classified as Pathogenic. Loss-of-function variants in SETD5 are known to be pathogenic (PMID: 24680889). This variant is not present in population databases (ExAC no frequency). This sequence change creates a premature translational stop signal (p.Ala692Leufs*12) in the SETD5 gene. It is expected to result in an absent or disrupted protein product.

Literature cited by the submitters: PubMed 24680889.

NM_001080517.3(SETD5):c.2074del (p.Ala692fs)

Gene: SETD5 (SET domain containing 5; plus strand). Cytogenetic location: 3p25.3.
Variant type: Deletion.
Coding change: c.2074del on transcript NM_001080517.3 (MANE Select); coding-DNA position 2074, one base deleted (G; older notation c.2074delG).
Protein change: p.Ala692fs; shifts the reading frame from alanine 692.
Molecular consequence: frameshift variant.
Genome position (GRCh38, 1-based): chr3:9,447,977, G deleted. VCF-style (leftmost placement, unchanged base first): chr3-9447976-TG-T. GRCh37 (hg19) VCF-style: chr3-9489660-TG-T.
Other names: c.1780del, p.Ala594fs (NM_001292043.2, NM_001349451.2); short protein forms A692fs, A594fs.
Identifiers: ClinVar variation 954635 (VCV000954635.6), dbSNP rs2042206485, ClinGen allele CA1139657864.